The following is an entry in ClinVar:

NM_001369.3(DNAH5):c.6261T>G (p.Tyr2087Ter)

Gene: DNAH5 (dynein axonemal heavy chain 5; minus strand). Cytogenetic location: 5p15.2.
Variant type: single nucleotide variant.
Coding change: c.6261T>G on transcript NM_001369.3 (MANE Select); coding-DNA position 6261, T replaced by G.
Protein change: p.Tyr2087Ter; replaces tyrosine 2087 with a stop codon.
Molecular consequence: nonsense.
Genome position (GRCh38, 1-based): chr5:13,829,693, A>C on the plus strand (T>G on the coding strand, the complement: DNAH5 is on the minus strand). VCF-style: chr5-13829693-A-C. GRCh37 (hg19) VCF-style: chr5-13829802-A-C.
Other names: c.6261T>G (NM_001369.2); short protein forms Y2087*.
Identifiers: ClinVar variation 2913476 (VCV002913476.4), dbSNP rs1335539930, ClinGen allele CA359200474.
Genomic context (GRCh38, chr5:13,829,693, plus strand): 5'-CATCATGGCCACTGAGCGGAAATTAATCTTCAAGTTTTCAGGGAGTTCCTGCCGTCCGGC[A>C]TAGCCAGGATTCTAAACAGAAAATAAAGCCCAAGGATGAATGATGCAATCAAGCACACAT-3'

ClinVar aggregate classification (germline): Pathogenic. Review status: criteria provided, multiple submitters, no conflicts (2 of 4 stars). 2 submissions from 2 submitters: Pathogenic (2). Last evaluated 2024-12-08.

Conditions:
Primary ciliary dyskinesia. Also called: Ciliary dyskinesia. Identifiers: Orphanet 244, MedGen C0008780, MONDO:0016575, HP:0012265.

Allele frequency attached by ClinVar (database versions not stated): gnomAD 0.00001.
gnomAD v4.1: 2 of 1,614,006 alleles (0.00012%); highest among the groups gnomAD compares: Admixed American, 0.0017%; no homozygotes.

Submissions (2):

Labcorp Genetics (formerly Invitae), Labcorp
Classification: Pathogenic for Primary ciliary dyskinesia. Last evaluated: 2024-12-08. Review status: criteria provided, single submitter. Criteria: Invitae Variant Classification Sherloc (09022015). Collection method: clinical testing. Allele origin: germline.
Comment: This sequence change creates a premature translational stop signal (p.Tyr2087*) in the DNAH5 gene. It is expected to result in an absent or disrupted protein product. Loss-of-function variants in DNAH5 are known to be pathogenic (PMID: 11788826, 16627867). This variant is present in population databases (no rsID available, gnomAD 0.0009%). This premature translational stop signal has been observed in individual(s) with primary ciliary dyskinesia (PMID: 31879361). ClinVar contains an entry for this variant (Variation ID: 2913476). For these reasons, this variant has been classified as Pathogenic.

Natera, Inc.
Classification: Pathogenic for Primary ciliary dyskinesia. Last evaluated: 2024-11-19. Review status: criteria provided, single submitter. Criteria: Natera Variant Classification Schema (03/2026). Collection method: clinical testing. Allele origin: germline.
Comment: The c.6261T>G variant in DNAH5 is a nonsense variant predicted to introduce a stop codon at amino acid 2087. This variant is expected to result in nonsense mediated decay, truncation, or a dysfunctional protein product. This variant is rare in the general population with a frequency below the threshold expected for the associated phenotype(s). This variant has been observed in one or more individuals affected with the associated recessive disease, as either homozygous or compound heterozygous with a second variant (PMID: 31879361). Given the available evidence, this variant is classified as Pathogenic.

Literature cited by the submitters: PubMed 11788826 (cited by Labcorp Genetics (formerly Invitae), Labcorp); PubMed 16627867 (cited by Labcorp Genetics (formerly Invitae), Labcorp); PubMed 31879361 (cited by Labcorp Genetics (formerly Invitae), Labcorp and Natera, Inc.).